The following is an entry in ClinVar:

ClinVar aggregate classification (germline): Pathogenic (1 of 4 stars; one submission).

Submission:

Labcorp Genetics (formerly Invitae), Labcorp
Classification: Pathogenic. Last evaluated: 2025-10-15. Review status: criteria provided, single submitter. Criteria: Invitae Variant Classification Sherloc (09022015). Collection method: clinical testing. Allele origin: germline.
Comment: This sequence change creates a premature translational stop signal (p.Trp738*) in the MYSM1 gene. It is expected to result in an absent or disrupted protein product. Loss-of-function variants in MYSM1 are known to be pathogenic (PMID: 24288411, 28115216). This variant is not present in population databases (gnomAD no frequency). This variant has not been reported in the literature in individuals affected with MYSM1-related conditions. For these reasons, this variant has been classified as Pathogenic.

Literature cited by the submitters: PubMed 24288411; PubMed 28115216.

NM_001085487.3(MYSM1):c.2214G>A (p.Trp738Ter)

Gene: MYSM1 (Myb like, SWIRM and MPN domains 1; minus strand). Cytogenetic location: 1p32.1.
Variant type: single nucleotide variant.
Coding change: c.2214G>A on transcript NM_001085487.3 (MANE Select); coding-DNA position 2214, G replaced by A.
Protein change: p.Trp738Ter; replaces tryptophan 738 with a stop codon.
Molecular consequence: nonsense.
Genome position (GRCh38, 1-based): chr1:58,661,462, C>T on the plus strand (G>A on the coding strand, the complement: MYSM1 is on the minus strand). VCF-style: chr1-58661462-C-T. GRCh37 (hg19) VCF-style: chr1-59127134-C-T.
Other names: short protein forms W738*.
Identifiers: ClinVar variation 4728930 (VCV004728930.1).